The following is an entry in ClinVar:

ClinVar aggregate classification (germline): Uncertain significance (1 of 4 stars; one submission).

Conditions:
Joubert syndrome 15 (JBTS15). Identifiers: Orphanet 475, MedGen C3280897, MONDO:0013763, OMIM 614464.

Submission:

Labcorp Genetics (formerly Invitae), Labcorp
Classification: Uncertain significance for Joubert syndrome 15. Last evaluated: 2021-09-08. Review status: criteria provided, single submitter. Criteria: Invitae Variant Classification Sherloc (09022015). Collection method: clinical testing. Allele origin: germline.
Comment: This variant is not present in population databases (ExAC no frequency). This sequence change falls in intron 9 of the CEP41 gene. It does not directly change the encoded amino acid sequence of the CEP41 protein. It affects a nucleotide within the consensus splice site of the intron. This variant has not been reported in the literature in individuals affected with CEP41-related conditions. Variants that disrupt the consensus splice site are a relatively common cause of aberrant splicing (PMID: 17576681, 9536098). Algorithms developed to predict the effect of sequence changes on RNA splicing suggest that this variant may disrupt the consensus splice site. In summary, the available evidence is currently insufficient to determine the role of this variant in disease. Therefore, it has been classified as a Variant of Uncertain Significance.

Literature cited by the submitters: PubMed 17576681; PubMed 9536098.

NM_018718.3(CEP41):c.757+5G>A

Gene: CEP41 (centrosomal protein 41; minus strand). Cytogenetic location: 7q32.2.
Variant type: single nucleotide variant.
Coding change: c.757+5G>A on transcript NM_018718.3 (MANE Select); 5 bases into the intron after coding-DNA position 757, G replaced by A.
Molecular consequence: intron variant.
Genome position (GRCh38, 1-based): chr7:130,400,702, C>T on the plus strand (G>A on the coding strand, the complement: CEP41 is on the minus strand). VCF-style: chr7-130400702-C-T. GRCh37 (hg19) VCF-style: chr7-130040543-C-T.
Other names: c.709+5G>A (NM_001257159.2); c.757+5G>A (NM_001257158.2).
Identifiers: ClinVar variation 1373660 (VCV001373660.5), dbSNP rs909436822, ClinGen allele CA166903212.